The following is an entry in ClinVar:

NM_001366110.1(PAX4):c.59G>A (p.Arg20Gln)

Gene: PAX4 (paired box 4; minus strand). Cytogenetic location: 7q32.1.
Variant type: single nucleotide variant.
Coding change: c.59G>A on transcript NM_001366110.1 (MANE Select); coding-DNA position 59, G replaced by A.
Protein change: p.Arg20Gln; replaces arginine 20 with glutamine.
Molecular consequence: missense variant.
Genome position (GRCh38, 1-based): chr7:127,615,486, C>T on the plus strand (G>A on the coding strand, the complement: PAX4 is on the minus strand). VCF-style: chr7-127615486-C-T. GRCh37 (hg19) VCF-style: chr7-127255540-C-T.
Other names: c.59G>A, p.Arg20Gln (NM_001366111.1); short protein forms R20Q.
Identifiers: ClinVar variation 4694421 (VCV004694421.1).

ClinVar aggregate classification (germline): Uncertain significance (1 of 4 stars; one submission).

gnomAD v4.1: 45 of 1,614,092 alleles (0.0028%); highest among the groups gnomAD compares: Middle Eastern, 0.049%; no homozygotes.

Submission:

Labcorp Genetics (formerly Invitae), Labcorp
Classification: Uncertain significance. Last evaluated: 2025-12-27. Review status: criteria provided, single submitter. Criteria: Invitae Variant Classification Sherloc (09022015). Collection method: clinical testing. Allele origin: germline.
Comment: This sequence change replaces arginine, which is basic and polar, with glutamine, which is neutral and polar, at codon 12 of the PAX4 protein (p.Arg12Gln). This variant is present in population databases (rs753408567, gnomAD 0.01%). This variant has not been reported in the literature in individuals affected with PAX4-related conditions. An algorithm developed to predict the effect of missense changes on protein structure and function (PolyPhen-2) suggests that this variant is likely to be disruptive. In summary, the available evidence is currently insufficient to determine the role of this variant in disease. Therefore, it has been classified as a Variant of Uncertain Significance.